The following is an entry in ClinVar:

NM_000051.4(ATM):c.5190A>G (p.Arg1730=)

Gene: ATM (ATM serine/threonine kinase; plus strand). Cytogenetic location: 11q22.3.
Variant type: single nucleotide variant.
Coding change: c.5190A>G on transcript NM_000051.4 (MANE Select); coding-DNA position 5190, A replaced by G.
Protein change: p.Arg1730=; no amino-acid change (arginine 1730 retained).
Molecular consequence: synonymous variant.
Genome position (GRCh38, 1-based): chr11:108,301,660, A>G. VCF-style: chr11-108301660-A-G. GRCh37 (hg19) VCF-style: chr11-108172387-A-G.
Other names: c.5190A>G, p.Arg1730= (NM_001351834.2).
Identifiers: ClinVar variation 184675 (VCV000184675.22), dbSNP rs786201609, ClinGen allele CA189659.

ClinVar aggregate classification (germline): Benign/Likely benign. Review status: criteria provided, multiple submitters, no conflicts (2 of 4 stars). 6 submissions from 6 submitters: Benign (1); Likely benign (5). Last evaluated 2025-12-17.

Conditions:
Hereditary cancer-predisposing syndrome. Also called: Tumor predisposition; Hereditary Cancer Syndrome; Hereditary neoplastic syndrome; Neoplastic Syndromes, Hereditary. Identifiers: Orphanet 140162, MedGen C0027672, MeSH D009386, MONDO:0015356.
Familial cancer of breast. Also called: BREAST CANCER, FAMILIAL; hereditary breast carcinoma; Hereditary breast cancer. Identifiers: Orphanet 227535, MedGen C0346153, MONDO:0016419, OMIM 114480. Disease mechanism: loss of function.
Ataxia-telangiectasia syndrome (AT). Also called: LOUIS-BAR SYNDROME; Cerebello-oculocutaneous telangiectasia; Immunodeficiency with ataxia telangiectasia; ATAXIA-TELANGIECTASIA, COMPLEMENTATION GROUP A; ATAXIA-TELANGIECTASIA, FRESNO VARIANT; Ataxia-telangiectasia. Identifiers: Orphanet 100, MedGen C0004135, MONDO:0008840, OMIM 208900.

Allele frequency attached by ClinVar (database versions not stated): gnomAD exomes 0.00001.
gnomAD v4.1: 15 of 1,613,726 alleles (0.00093%); highest among the groups gnomAD compares: Non-Finnish European, 0.0012%; no homozygotes.

Submissions (6):

Labcorp Genetics (formerly Invitae), Labcorp
Classification: Likely benign for Ataxia-telangiectasia syndrome. Last evaluated: 2025-12-17. Review status: criteria provided, single submitter. Criteria: Invitae Variant Classification Sherloc (09022015). Collection method: clinical testing. Allele origin: germline.

Myriad Genetics, Inc.
Classification: Benign for Familial cancer of breast. Last evaluated: 2024-05-22. Review status: criteria provided, single submitter. Criteria: Myriad Autosomal Dominant, Autosomal Recessive and X-Linked Classification Criteria (2023). Collection method: clinical testing. Allele origin: unknown.
Comment: This variant is considered benign. This variant is a silent/synonymous amino acid change and it is not expected to impact splicing.

Color Diagnostics, LLC DBA Color Health
Classification: Likely benign for Hereditary cancer-predisposing syndrome. Last evaluated: 2019-03-15. Review status: criteria provided, single submitter. Criteria: ACMG Guidelines, 2015. Collection method: clinical testing. Allele origin: germline.

GeneDx
Classification: Likely benign. Last evaluated: 2018-03-29. Review status: criteria provided, single submitter. Criteria: GeneDx Variant Classification Process June 2021. Collection method: clinical testing. Allele origin: germline. Affected: yes.

Ambry Genetics
Classification: Likely benign for Hereditary cancer-predisposing syndrome. Last evaluated: 2017-12-21. Review status: criteria provided, single submitter. Criteria: Ambry Variant Classification Scheme 2023. Collection method: clinical testing. Allele origin: germline.

Genetic Services Laboratory, University of Chicago
Classification: Likely benign. Last evaluated: 2017-01-27. Review status: criteria provided, single submitter. Criteria: ACMG Guidelines, 2015. Collection method: clinical testing. Allele origin: germline. Affected: no.